The following is an entry in ClinVar:

ClinVar aggregate classification (germline): Uncertain significance (1 of 4 stars; one submission).

Submission:

GeneDx
Classification: Uncertain significance. Last evaluated: 2023-11-22. Review status: criteria provided, single submitter. Criteria: GeneDx Variant Classification Process June 2021. Collection method: clinical testing. Allele origin: germline. Affected: yes.
Comment: Not observed at significant frequency in large population cohorts (gnomAD); In silico analysis supports that this missense variant has a deleterious effect on protein structure/function; Has not been previously published as pathogenic or benign to our knowledge; This variant is associated with the following publications: (PMID: 27311832)

NM_004380.3(CREBBP):c.5290C>T (p.Pro1764Ser)

Gene: CREBBP (CREB binding protein; minus strand). Cytogenetic location: 16p13.3.
Variant type: single nucleotide variant.
Coding change: c.5290C>T on transcript NM_004380.3 (MANE Select); coding-DNA position 5290, C replaced by T.
Protein change: p.Pro1764Ser; replaces proline 1764 with serine.
Molecular consequence: missense variant.
Genome position (GRCh38, 1-based): chr16:3,729,757, G>A on the plus strand (C>T on the coding strand, the complement: CREBBP is on the minus strand). VCF-style: chr16-3729757-G-A. GRCh37 (hg19) VCF-style: chr16-3779758-G-A.
Other names: c.5176C>T, p.Pro1726Ser (NM_001079846.1); short protein forms P1726S, P1764S.
Identifiers: ClinVar variation 3364822 (VCV003364822.1).